The following is an entry in ClinVar:

ClinVar aggregate classification (germline): Uncertain significance (1 of 4 stars; one submission).

Submission:

Labcorp Genetics (formerly Invitae), Labcorp
Classification: Uncertain significance. Last evaluated: 2022-07-11. Review status: criteria provided, single submitter. Criteria: Invitae Variant Classification Sherloc (09022015). Collection method: clinical testing. Allele origin: germline.
Comment: In summary, the available evidence is currently insufficient to determine the role of this variant in disease. Therefore, it has been classified as a Variant of Uncertain Significance. Algorithms developed to predict the effect of missense changes on protein structure and function are either unavailable or do not agree on the potential impact of this missense change (SIFT: "Tolerated"; PolyPhen-2: "Not Available"; Align-GVGD: "Class C0"). This variant has not been reported in the literature in individuals affected with PTPN23-related conditions. This variant is not present in population databases (gnomAD no frequency). This sequence change replaces glycine, which is neutral and non-polar, with aspartic acid, which is acidic and polar, at codon 1528 of the PTPN23 protein (p.Gly1528Asp).

NM_015466.4(PTPN23):c.4583G>A (p.Gly1528Asp)

Gene: PTPN23 (protein tyrosine phosphatase non-receptor type 23; plus strand). Cytogenetic location: 3p21.31.
Variant type: single nucleotide variant.
Coding change: c.4583G>A on transcript NM_015466.4 (MANE Select); coding-DNA position 4583, G replaced by A.
Protein change: p.Gly1528Asp; replaces glycine 1528 with aspartic acid.
Molecular consequence: missense variant.
Genome position (GRCh38, 1-based): chr3:47,412,857, G>A. VCF-style: chr3-47412857-G-A. GRCh37 (hg19) VCF-style: chr3-47454347-G-A.
Other names: c.4205G>A, p.Gly1402Asp (NM_001304482.2); short protein forms G1528D, G1402D.
Identifiers: ClinVar variation 2015990 (VCV002015990.4), dbSNP rs2546260925, ClinGen allele CA352568027.